The following is an entry in ClinVar:

NM_005591.4(MRE11):c.664A>T (p.Lys222Ter)

Gene: MRE11 (MRE11 double strand break repair nuclease; minus strand). Cytogenetic location: 11q21.
Variant type: single nucleotide variant.
Coding change: c.664A>T on transcript NM_005591.4 (MANE Select); coding-DNA position 664, A replaced by T.
Protein change: p.Lys222Ter; replaces lysine 222 with a stop codon.
Molecular consequence: nonsense.
Genome position (GRCh38, 1-based): chr11:94,471,755, T>A on the plus strand (A>T on the coding strand, the complement: MRE11 is on the minus strand). VCF-style: chr11-94471755-T-A. GRCh37 (hg19) VCF-style: chr11-94204921-T-A.
Other names: c.664A>T, p.Lys222Ter (NM_001330347.2, NM_005590.4); short protein forms K222*.
Identifiers: ClinVar variation 659921 (VCV000659921.7), dbSNP rs371455048, ClinGen allele CA226531640.
Genomic context (GRCh38, chr11:94,471,755, plus strand): 5'-TAACAAGATCAATGAAGTCATCCAAAAATTGTTCTGGAATGAAGTTAGTACTTCCATGTT[T>A]ACTCCTGTATCAAGATTTTGAAAAATATAAATTCGGTGATTAGAAAAATTTCATATTATT-3'

ClinVar aggregate classification (germline): Pathogenic/Likely pathogenic. Review status: criteria provided, multiple submitters, no conflicts (2 of 4 stars). 2 submissions from 2 submitters: Pathogenic (1); Likely pathogenic (1). Last evaluated 2024-04-08.

Conditions:
Ataxia-telangiectasia-like disorder 1 (ATLD1). Identifiers: Orphanet 251347, MedGen C4012790, MONDO:0024557, OMIM 604391.
Ataxia-telangiectasia-like disorder (ATLD). Identifiers: MedGen C1858391, MONDO:0011457.

Allele frequency attached by ClinVar (database versions not stated): ESP Exome Variant Server 0.00008.

Submissions (2):

Labcorp Genetics (formerly Invitae), Labcorp
Classification: Pathogenic for Ataxia-telangiectasia-like disorder. Last evaluated: 2024-04-08. Review status: criteria provided, single submitter. Criteria: Invitae Variant Classification Sherloc (09022015). Collection method: clinical testing. Allele origin: germline.
Comment: This sequence change creates a premature translational stop signal (p.Lys222*) in the MRE11 gene. It is expected to result in an absent or disrupted protein product. Loss-of-function variants in MRE11 are known to be pathogenic (PMID: 23080121, 23912341). This variant is not present in population databases (gnomAD no frequency). This variant has not been reported in the literature in individuals affected with MRE11-related conditions. ClinVar contains an entry for this variant (Variation ID: 659921). For these reasons, this variant has been classified as Pathogenic.

Baylor Genetics
Classification: Likely pathogenic for Ataxia-telangiectasia-like disorder 1. Last evaluated: 2024-03-20. Review status: criteria provided, single submitter. Criteria: ACMG Guidelines, 2015. Collection method: clinical testing. Allele origin: unknown.

Literature cited by the submitters: PubMed 23080121 (cited by Labcorp Genetics (formerly Invitae), Labcorp); PubMed 23912341 (cited by Labcorp Genetics (formerly Invitae), Labcorp).